The following is an entry in ClinVar:

ClinVar aggregate classification (germline): Uncertain significance. Review status: criteria provided, multiple submitters, no conflicts (2 of 4 stars). 6 submissions from 6 submitters: Uncertain significance (6). Last evaluated 2025-12-21.

Conditions:
Epidermolysis bullosa simplex 5B, with muscular dystrophy (EBS5B). Also called: Epidermolysis bullosa simplex with muscular dystrophy; EPIDERMOLYSIS BULLOSA SIMPLEX AND LIMB-GIRDLE MUSCULAR DYSTROPHY. Identifiers: Orphanet 257, MedGen C2931072, MONDO:0009181, OMIM 226670.
Autosomal recessive limb-girdle muscular dystrophy type 2Q (LGMDR17). Also called: MUSCULAR DYSTROPHY, LIMB-GIRDLE, AUTOSOMAL RECESSIVE 17. Identifiers: Orphanet 254361, MedGen C3150989, MONDO:0013390, OMIM 613723.
Epidermolysis bullosa simplex 5C, with pyloric atresia (EBS5C). Also called: PLEC-Related Epidermolysis Bullosa with Pyloric Atresia; PLEC1-Related Epidermolysis Bullosa with Pyloric Atresia; Epidermolysis bullosa simplex with pyloric atresia. Identifiers: Orphanet 158684, MedGen C2677349, MONDO:0012807, OMIM 612138.
Epidermolysis bullosa simplex, Ogna type (EBS5A). Also called: Pidermolysis bullosa simplex 5A, Ogna type; EPIDERMOLYSIS BULLOSA SIMPLEX 5A, OGNA TYPE. Identifiers: Orphanet 79401, MedGen C0432317, MONDO:0007555, OMIM 131950.
Epidermolysis bullosa simplex with nail dystrophy (EBS5D). Identifiers: MedGen C4225309, MONDO:0014661, OMIM 616487.
Inborn genetic diseases. Identifiers: MedGen C0950123, MeSH D030342.
PLEC-related disorder. Also called: PLEC-related condition; PLEC-related disorders.

Allele frequency attached by ClinVar (database versions not stated): gnomAD exomes below 0.00001; gnomAD 0.00008 and 0.00010; TOPMed 0.00019.
gnomAD v4.1: 24 of 1,611,522 alleles (0.0015%); highest among the groups gnomAD compares: Admixed American, 0.023%; no homozygotes.

Submissions (6):

Labcorp Genetics (formerly Invitae), Labcorp
Classification: Uncertain significance for Autosomal recessive limb-girdle muscular dystrophy type 2Q; Epidermolysis bullosa simplex, Ogna type; Epidermolysis bullosa simplex with nail dystrophy; Epidermolysis bullosa simplex 5C, with pyloric atresia; Epidermolysis bullosa simplex 5B, with muscular dystrophy. Last evaluated: 2025-12-21. Review status: criteria provided, single submitter. Criteria: Invitae Variant Classification Sherloc (09022015). Collection method: clinical testing. Allele origin: germline.
Comment: This sequence change replaces tyrosine, which is neutral and polar, with cysteine, which is neutral and slightly polar, at codon 3667 of the PLEC protein (p.Tyr3667Cys). This variant is present in population databases (no rsID available, gnomAD no frequency). This variant has not been reported in the literature in individuals affected with PLEC-related conditions. ClinVar contains an entry for this variant (Variation ID: 597802). An algorithm developed to predict the effect of missense changes on protein structure and function (PolyPhen-2) suggests that this variant is likely to be tolerated. In summary, the available evidence is currently insufficient to determine the role of this variant in disease. Therefore, it has been classified as a Variant of Uncertain Significance.

Ambry Genetics
Classification: Uncertain significance for Inborn genetic diseases. Last evaluated: 2025-06-25. Review status: criteria provided, single submitter. Criteria: Ambry Variant Classification Scheme 2023. Collection method: clinical testing. Allele origin: germline.

PreventionGenetics, part of Exact Sciences
Classification: Uncertain significance for PLEC-related condition. Last evaluated: 2025-02-17. Review status: criteria provided, single submitter. Criteria: ACMG Guidelines, 2015. Collection method: clinical testing. Allele origin: germline.
Comment: The PLEC c.11000A>G variant is predicted to result in the amino acid substitution p.Tyr3667Cys. To our knowledge, this variant has not been reported in the literature. This variant is reported in 1 of ~247,000 of alleles in gnomAD. At this time, the clinical significance of this variant is uncertain due to the absence of conclusive functional and genetic evidence.

GeneDx
Classification: Uncertain significance. Last evaluated: 2025-01-29. Review status: criteria provided, single submitter. Criteria: GeneDx Variant Classification Process June 2021. Collection method: clinical testing. Allele origin: germline. Affected: yes.
Comment: Not observed at significant frequency in large population cohorts (gnomAD); In silico analysis supports that this missense variant has a deleterious effect on protein structure/function; Missense variant in a gene in which most reported pathogenic variants are truncating/loss of function; Has not been previously published as pathogenic or benign to our knowledge

Revvity Omics, Revvity
Classification: Uncertain significance. Last evaluated: 2024-06-18. Review status: criteria provided, single submitter. Criteria: ACMG Guidelines, 2015. Collection method: clinical testing. Allele origin: germline.

Eurofins Ntd Llc (ga)
Classification: Uncertain significance. Last evaluated: 2018-06-28. Review status: criteria provided, single submitter. Criteria: EGL ClinVar v180209 classification definitions. Collection method: clinical testing. Allele origin: germline. Observed: 2 variant alleles, 2 heterozygotes.

NM_201384.3(PLEC):c.10919A>G (p.Tyr3640Cys)

Gene: PLEC (plectin; minus strand). Cytogenetic location: 8q24.3.
Variant type: single nucleotide variant.
Coding change: c.10919A>G on transcript NM_201384.3 (MANE Select); coding-DNA position 10919, A replaced by G.
Protein change: p.Tyr3640Cys; replaces tyrosine 3640 with cysteine.
Molecular consequence: missense variant.
Genome position (GRCh38, 1-based): chr8:143,918,902, T>C on the plus strand (A>G on the coding strand, the complement: PLEC is on the minus strand). VCF-style: chr8-143918902-T-C. GRCh37 (hg19) VCF-style: chr8-144993070-T-C.
Other names: c.11000A>G, p.Tyr3667Cys (NM_000445.5); c.10877A>G, p.Tyr3626Cys (NM_201378.4); c.10853A>G, p.Tyr3618Cys (NM_201379.3); c.11330A>G, p.Tyr3777Cys (NM_201380.4); c.10823A>G, p.Tyr3608Cys (NM_201381.3); c.10919A>G, p.Tyr3640Cys (NM_201382.4); c.10931A>G, p.Tyr3644Cys (NM_201383.3); short protein forms Y3644C, Y3618C, Y3640C, Y3667C, Y3777C, Y3608C, Y3626C.
Identifiers: ClinVar variation 597802 (VCV000597802.23), dbSNP rs1271519533, ClinGen allele CA372495657.
Genomic context (GRCh38, chr8:143,918,902, plus strand): 5'-AGAGAGATGATCCGAGCCTCGAACAGGTCCTCAGCCGTGAGGCGGCGGCGCACGTAGTCG[T>C]AGGAGGCCAGACCCTGCTGGCGGATGATCTCTGTCTTCTCAATGATCTCGATGATGATGA-3'
Protein context (NP_958786.1, residues 3630-3650): EIIRQQGLAS[Tyr3640Cys]DYVRRRLTAE